The following is an entry in ClinVar:

NM_000660.7(TGFB1):c.436G>C (p.Glu146Gln)

Gene: TGFB1 (transforming growth factor beta 1; minus strand). Cytogenetic location: 19q13.2.
Variant type: single nucleotide variant.
Coding change: c.436G>C on transcript NM_000660.7 (MANE Select); coding-DNA position 436, G replaced by C.
Protein change: p.Glu146Gln; replaces glutamic acid 146 with glutamine.
Molecular consequence: missense variant.
Genome position (GRCh38, 1-based): chr19:41,348,375, C>G on the plus strand (G>C on the coding strand, the complement: TGFB1 is on the minus strand). VCF-style: chr19-41348375-C-G. GRCh37 (hg19) VCF-style: chr19-41854280-C-G.
Other names: short protein forms E146Q.
Identifiers: ClinVar variation 3607932 (VCV003607932.2).
Genomic context (GRCh38, chr19:41,348,375, plus strand): 5'-GCTCCACTTTTAACTTGAGCCTCAGCAGACGCAGCTCTGCCCGGGAGAGCAACACGGGTT[C>G]AGGTACCGCTTCTCGGAGCTCTGATGTGTTGAAGAACATATATATGCTGTGTGTACTCTG-3'
Protein context (NP_000651.3, residues 136-156): NTSELREAVP[Glu146Gln]PVLLSRAELR

ClinVar aggregate classification (germline): Uncertain significance (1 of 4 stars; one submission).

gnomAD v4.1: 5 of 1,613,528 alleles (0.00031%); highest among the groups gnomAD compares: Non-Finnish European, 0.00042%; no homozygotes.

Submission:

Labcorp Genetics (formerly Invitae), Labcorp
Classification: Uncertain significance. Last evaluated: 2025-12-11. Review status: criteria provided, single submitter. Criteria: Invitae Variant Classification Sherloc (09022015). Collection method: clinical testing. Allele origin: germline.
Comment: This sequence change replaces glutamic acid, which is acidic and polar, with glutamine, which is neutral and polar, at codon 146 of the TGFB1 protein (p.Glu146Gln). This variant is present in population databases (no rsID available, gnomAD 0.007%). This variant has not been reported in the literature in individuals affected with TGFB1-related conditions. ClinVar contains an entry for this variant (Variation ID: 3607932). An algorithm developed to predict the effect of missense changes on protein structure and function (PolyPhen-2) suggests that this variant is likely to be tolerated. In summary, the available evidence is currently insufficient to determine the role of this variant in disease. Therefore, it has been classified as a Variant of Uncertain Significance.